The following is an entry in ClinVar:

ClinVar aggregate classification (germline): Uncertain significance. Review status: criteria provided, multiple submitters, no conflicts (2 of 4 stars). 3 submissions from 3 submitters: Uncertain significance (3). Last evaluated 2026-05-14.

Conditions:
Hereditary cancer-predisposing syndrome. Also called: Neoplastic Syndromes, Hereditary; Tumor predisposition; Hereditary Cancer Syndrome; Hereditary neoplastic syndrome. Identifiers: Orphanet 140162, MedGen C0027672, MeSH D009386, MONDO:0015356.
Hereditary nonpolyposis colorectal neoplasms. Identifiers: MedGen C0009405, MeSH D003123.

Submissions (3):

Ambry Genetics
Classification: Uncertain significance for Hereditary cancer-predisposing syndrome. Last evaluated: 2026-05-14. Review status: criteria provided, single submitter. Criteria: Ambry Variant Classification Scheme 2023. Collection method: clinical testing. Allele origin: germline.
Comment: The p.V231L variant (also known as c.691G>C), located in coding exon 4 of the MSH6 gene, results from a G to C substitution at nucleotide position 691. The valine at codon 231 is replaced by leucine, an amino acid with highly similar properties. This amino acid position is not well conserved in available vertebrate species. In addition, this alteration is predicted to be tolerated by in silico analysis. Based on the available evidence, the clinical significance of this variant remains unclear.

Center for Genomic Medicine, Rigshospitalet, Copenhagen University Hospital
Classification: Uncertain significance. Last evaluated: 2025-03-04. Review status: criteria provided, single submitter. Criteria: ACMG Guidelines, 2015. Collection method: clinical testing. Allele origin: germline.

Labcorp Genetics (formerly Invitae), Labcorp
Classification: Uncertain significance for Hereditary nonpolyposis colorectal neoplasms. Last evaluated: 2022-05-25. Review status: criteria provided, single submitter. Criteria: Invitae Variant Classification Sherloc (09022015). Collection method: clinical testing. Allele origin: germline.
Comment: In summary, the available evidence is currently insufficient to determine the role of this variant in disease. Therefore, it has been classified as a Variant of Uncertain Significance. Advanced modeling of protein sequence and biophysical properties (such as structural, functional, and spatial information, amino acid conservation, physicochemical variation, residue mobility, and thermodynamic stability) performed at Invitae indicates that this missense variant is not expected to disrupt MSH6 protein function. This variant has not been reported in the literature in individuals affected with MSH6-related conditions. This variant is not present in population databases (gnomAD no frequency). This sequence change replaces valine, which is neutral and non-polar, with leucine, which is neutral and non-polar, at codon 231 of the MSH6 protein (p.Val231Leu).

NM_000179.3(MSH6):c.691G>C (p.Val231Leu)

Gene: MSH6 (mutS homolog 6; plus strand). Cytogenetic location: 2p16.3.
Variant type: single nucleotide variant.
Coding change: c.691G>C on transcript NM_000179.3 (MANE Select); coding-DNA position 691, G replaced by C.
Protein change: p.Val231Leu; replaces valine 231 with leucine.
Molecular consequence: missense variant. On other transcripts: 5 prime UTR variant (2).
Genome position (GRCh38, 1-based): chr2:47,798,674, G>C. VCF-style: chr2-47798674-G-C. GRCh37 (hg19) VCF-style: chr2-48025813-G-C.
Other names: c.691G>C (NM_000179.2); c.301G>C, p.Val101Leu (NM_001281492.2); c.-216G>C (NM_001281493.2, NM_001281494.2); short protein forms V231L, V101L.
Identifiers: ClinVar variation 1388690 (VCV001388690.11), dbSNP rs1572719960, ClinGen allele CA346739933.
Genomic context (GRCh38, chr2:47,798,674, plus strand): 5'-GGCACAACTTACGTAACAGATAAGAGTGAAGAAGATAATGAAATTGAGAGTGAAGAGGAA[G>C]TACAGCCTAAGACACAAGGATCTAGGCGAAGTAGCCGCCAAATAAAAAAACGAAGGGTCA-3'
Protein context (NP_000170.1, residues 221-241): EDNEIESEEE[Val231Leu]QPKTQGSRRS